The following is an entry in ClinVar:

ClinVar aggregate classification (germline): Likely pathogenic. Review status: criteria provided, single submitter (1 of 4 stars). 2 submissions from 2 submitters: Likely pathogenic (1). 1 of the submissions does not count toward it. Last evaluated 2023-12-02.

Conditions:
D,L-2-hydroxyglutaric aciduria (D2L2AD). Also called: Combined D-2- and L-2-hydroxyglutaric aciduria. Identifiers: Orphanet 356978, MedGen C5574940, MONDO:0014072, OMIM 615182.

Allele frequency attached by ClinVar (database versions not stated): gnomAD 0.00002; ExAC 0.00001; gnomAD exomes 0.00001; TOPMed 0.00002.
gnomAD v4.1: 42 of 1,605,714 alleles (0.0026%); highest among the groups gnomAD compares: African/African-American, 0.0054%; no homozygotes.

Submissions (2):

GeneDx
Classification: Likely pathogenic. Last evaluated: 2023-12-02. Review status: criteria provided, single submitter. Criteria: GeneDx Variant Classification Process June 2021. Collection method: clinical testing. Allele origin: germline. Affected: yes.
Comment: In silico analysis supports that this missense variant has a deleterious effect on protein structure/function; This variant is associated with the following publications: (PMID: 29031613, 23393310, 32814170, 26870663, 29265763, 29238895, 23561848, 34930662)

OMIM
Classification: Pathogenic for COMBINED D-2- AND L-2-HYDROXYGLUTARIC ACIDURIA. Last evaluated: 2013-04-01. Review status: no assertion criteria provided. Collection method: literature only. Allele origin: germline. Not counted in ClinVar's aggregate classification.

Literature cited by the submitters: PubMed 23393310 (cited by OMIM).

NM_005984.5(SLC25A1):c.845G>A (p.Arg282His)

Gene: SLC25A1 (solute carrier family 25 member 1; minus strand). Cytogenetic location: 22q11.21.
Variant type: single nucleotide variant.
Coding change: c.845G>A on transcript NM_005984.5 (MANE Select); coding-DNA position 845, G replaced by A.
Protein change: p.Arg282His; replaces arginine 282 with histidine.
Molecular consequence: missense variant. On other transcripts: non-coding transcript variant (1).
Genome position (GRCh38, 1-based): chr22:19,176,221, C>T on the plus strand (G>A on the coding strand, the complement: SLC25A1 is on the minus strand). VCF-style: chr22-19176221-C-T. GRCh37 (hg19) VCF-style: chr22-19163734-C-T.
Other names: c.845G>A (NM_005984.3); c.866G>A, p.Arg289His (NM_001256534.2); c.536G>A, p.Arg179His (NM_001287387.2); short protein forms R282H, R179H, R289H.
Identifiers: ClinVar variation 42195 (VCV000042195.5), dbSNP rs431905510, ClinGen allele CA130980.
Genomic context (GRCh38, chr22:19,176,221, plus strand): 5'-TTCACCACTTCATCATAGATGACAAACACTATGGCCACATCCAGGCAGACCCGGCCCAGG[C>T]GGGGGACAGTGCCCTTGTAGAATCTGGGTGGGAGGAGGGGCGGGGAGAGGAAGGCAGGTC-3'
Protein context (NP_005975.1, residues 272-292): LKAFYKGTVP[Arg282His]LGRVCLDVAI